The following is an entry in ClinVar:

NM_002691.4(POLD1):c.3070G>C (p.Ala1024Pro)

Gene: POLD1 (DNA polymerase delta 1, catalytic subunit; plus strand). Cytogenetic location: 19q13.33.
Variant type: single nucleotide variant.
Coding change: c.3070G>C on transcript NM_002691.4 (MANE Select); coding-DNA position 3070, G replaced by C.
Protein change: p.Ala1024Pro; replaces alanine 1024 with proline.
Molecular consequence: missense variant. On other transcripts: non-coding transcript variant (1).
Genome position (GRCh38, 1-based): chr19:50,417,047, G>C. VCF-style: chr19-50417047-G-C. GRCh37 (hg19) VCF-style: chr19-50920304-G-C.
Other names: c.3070G>C, p.Ala1024Pro (NM_001256849.1); c.3148G>C, p.Ala1050Pro (NM_001308632.1); c.3070G>C (NM_002691.2); short protein forms A1024P, A1050P.
Identifiers: ClinVar variation 1353880 (VCV001353880.9), dbSNP rs2122503417, ClinGen allele CA406987052.

ClinVar aggregate classification (germline): Uncertain significance. Review status: criteria provided, multiple submitters, no conflicts (2 of 4 stars). 2 submissions from 2 submitters: Uncertain significance (2). Last evaluated 2024-12-16.

Conditions:
POLD1-related polyposis and colorectal cancer syndrome (CRCS10). Also called: Colorectal cancer, susceptibility to, 10; Colorectal cancer 10; COLORECTAL CANCER, SUSCEPTIBILITY TO, ON CHROMOSOME 19q. Identifiers: Orphanet 220460, MedGen C2675481, MONDO:0012953, OMIM 612591.
Hereditary cancer-predisposing syndrome. Also called: Tumor predisposition; Hereditary Cancer Syndrome; Hereditary neoplastic syndrome; Neoplastic Syndromes, Hereditary. Identifiers: Orphanet 140162, MedGen C0027672, MeSH D009386, MONDO:0015356.

Submissions (2):

Ambry Genetics
Classification: Uncertain significance for Hereditary cancer-predisposing syndrome. Last evaluated: 2024-12-16. Review status: criteria provided, single submitter. Criteria: Ambry Variant Classification Scheme 2023. Collection method: clinical testing. Allele origin: germline.
Comment: The p.A1024P variant (also known as c.3070G>C), located in coding exon 24 of the POLD1 gene, results from a G to C substitution at nucleotide position 3070. The alanine at codon 1024 is replaced by proline, an amino acid with highly similar properties. This amino acid position is conserved. In addition, this alteration is predicted to be tolerated by in silico analysis. Based on the available evidence, the clinical significance of this variant remains unclear.

Labcorp Genetics (formerly Invitae), Labcorp
Classification: Uncertain significance for POLD1-related polyposis and colorectal cancer syndrome. Last evaluated: 2021-06-18. Review status: criteria provided, single submitter. Criteria: Invitae Variant Classification Sherloc (09022015). Collection method: clinical testing. Allele origin: germline.
Comment: In summary, the available evidence is currently insufficient to determine the role of this variant in disease. Therefore, it has been classified as a Variant of Uncertain Significance. Algorithms developed to predict the effect of missense changes on protein structure and function (SIFT, PolyPhen-2, Align-GVGD) all suggest that this variant is likely to be tolerated, but these predictions have not been confirmed by published functional studies and their clinical significance is uncertain. This variant has not been reported in the literature in individuals with POLD1-related conditions. This variant is not present in population databases (ExAC no frequency). This sequence change replaces alanine with proline at codon 1024 of the POLD1 protein (p.Ala1024Pro). The alanine residue is moderately conserved and there is a small physicochemical difference between alanine and proline.